The following is an entry in ClinVar:

NM_004304.5(ALK):c.2308A>G (p.Met770Val)

Gene: ALK (ALK receptor tyrosine kinase; minus strand). Cytogenetic location: 2p23.2.
Variant type: single nucleotide variant.
Coding change: c.2308A>G on transcript NM_004304.5 (MANE Select); coding-DNA position 2308, A replaced by G.
Protein change: p.Met770Val; replaces methionine 770 with valine.
Molecular consequence: missense variant.
Genome position (GRCh38, 1-based): chr2:29,239,727, T>C on the plus strand (A>G on the coding strand, the complement: ALK is on the minus strand). VCF-style: chr2-29239727-T-C. GRCh37 (hg19) VCF-style: chr2-29462593-T-C.
Other names: short protein forms M770V.
Identifiers: ClinVar variation 2566577 (VCV002566577.2), dbSNP rs2465270045, ClinGen allele CA346474369.

ClinVar aggregate classification (germline): Uncertain significance (1 of 4 stars; one submission).

Conditions:
Hereditary cancer-predisposing syndrome. Also called: Hereditary neoplastic syndrome; Hereditary Cancer Syndrome; Neoplastic Syndromes, Hereditary; Tumor predisposition. Identifiers: Orphanet 140162, MedGen C0027672, MeSH D009386, MONDO:0015356.

Submission:

Ambry Genetics
Classification: Uncertain significance for Hereditary cancer-predisposing syndrome. Last evaluated: 2023-04-18. Review status: criteria provided, single submitter. Criteria: Ambry Variant Classification Scheme 2023. Collection method: clinical testing. Allele origin: germline.
Comment: The p.M770V variant (also known as c.2308A>G), located in coding exon 13 of the ALK gene, results from an A to G substitution at nucleotide position 2308. The methionine at codon 770 is replaced by valine, an amino acid with highly similar properties. This amino acid position is conserved. In addition, this alteration is predicted to be tolerated by in silico analysis. Since supporting evidence is limited at this time, the clinical significance of this alteration remains unclear.